The following is an entry in ClinVar:

ClinVar aggregate classification (germline): Uncertain significance. Review status: criteria provided, multiple submitters, no conflicts (2 of 4 stars). 2 submissions from 2 submitters: Uncertain significance (2). Last evaluated 2025-08-04.

Allele frequency attached by ClinVar (database versions not stated): gnomAD 0.00001; TOPMed 0.00001; ESP Exome Variant Server 0.00008; ExAC 0.00001; gnomAD exomes 0.00001.
gnomAD v4.1: 23 of 1,614,040 alleles (0.0014%); highest among the groups gnomAD compares: Non-Finnish European, 0.0019%; no homozygotes.

Submissions (2):

Labcorp Genetics (formerly Invitae), Labcorp
Classification: Uncertain significance. Last evaluated: 2025-08-04. Review status: criteria provided, single submitter. Criteria: Invitae Variant Classification Sherloc (09022015). Collection method: clinical testing. Allele origin: germline.
Comment: This sequence change replaces alanine, which is neutral and non-polar, with valine, which is neutral and non-polar, at codon 468 of the NPAT protein (p.Ala468Val). This variant is present in population databases (rs374559127, gnomAD 0.004%). This variant has not been reported in the literature in individuals affected with NPAT-related conditions. ClinVar contains an entry for this variant (Variation ID: 2447457). An algorithm developed to predict the effect of missense changes on protein structure and function outputs the following: PolyPhen-2: "Benign". The valine amino acid residue is found in multiple mammalian species, which suggests that this missense change does not adversely affect protein function. In summary, the available evidence is currently insufficient to determine the role of this variant in disease. Therefore, it has been classified as a Variant of Uncertain Significance.

Ambry Genetics
Classification: Uncertain significance. Last evaluated: 2023-02-10. Review status: criteria provided, single submitter. Criteria: Ambry Variant Classification Scheme 2023. Collection method: clinical testing. Allele origin: germline.
Comment: The p.A468V variant (also known as c.1403C>T), located in coding exon 13 of the NPAT gene, results from a C to T substitution at nucleotide position 1403. The alanine at codon 468 is replaced by valine, an amino acid with similar properties. This amino acid position is conserved. In addition, this alteration is predicted to be tolerated by in silico analysis. Since supporting evidence is limited at this time, the clinical significance of this alteration remains unclear.

NM_002519.3(NPAT):c.1403C>T (p.Ala468Val)

Gene: NPAT (nuclear protein, coactivator of histone transcription; minus strand). Cytogenetic location: 11q22.3.
Variant type: single nucleotide variant.
Coding change: c.1403C>T on transcript NM_002519.3 (MANE Select); coding-DNA position 1403, C replaced by T.
Protein change: p.Ala468Val; replaces alanine 468 with valine.
Molecular consequence: missense variant.
Genome position (GRCh38, 1-based): chr11:108,173,581, G>A on the plus strand (C>T on the coding strand, the complement: NPAT is on the minus strand). VCF-style: chr11-108173581-G-A. GRCh37 (hg19) VCF-style: chr11-108044308-G-A.
Other names: c.1403C>T, p.Ala468Val (NM_001321307.1); short protein forms A468V.
Identifiers: ClinVar variation 2447457 (VCV002447457.3), dbSNP rs374559127, ClinGen allele CA6264002.